The following is an entry in ClinVar:

ClinVar aggregate classification (germline): Pathogenic (1 of 4 stars; one submission).

Submission:

Labcorp Genetics (formerly Invitae), Labcorp
Classification: Pathogenic. Last evaluated: 2025-12-08. Review status: criteria provided, single submitter. Criteria: Invitae Variant Classification Sherloc (09022015). Collection method: clinical testing. Allele origin: germline.
Comment: This sequence change creates a premature translational stop signal (p.Val136Leufs*29) in the OPA1 gene. It is expected to result in an absent or disrupted protein product. Loss-of-function variants in OPA1 are known to be pathogenic (PMID: 11440988, 20157015, 20952381, 25012220). This variant is not present in population databases (gnomAD no frequency). This variant has not been reported in the literature in individuals affected with OPA1-related conditions. For these reasons, this variant has been classified as Pathogenic.

Literature cited by the submitters: PubMed 11440988; PubMed 20157015; PubMed 20952381; PubMed 25012220.

NM_130837.3(OPA1):c.404_405dup (p.Val136fs)

Gene: OPA1 (OPA1 mitochondrial dynamin like GTPase; plus strand). Cytogenetic location: 3q29.
Variant type: Duplication.
Coding change: c.404_405dup on transcript NM_130837.3 (MANE Select); coding-DNA positions 404 to 405, 2 bases duplicated (TT; older notation c.404_405dupTT).
Protein change: p.Val136fs; shifts the reading frame from valine 136.
Molecular consequence: frameshift variant.
Genome position (GRCh38, 1-based): chr3:193,615,726-193,615,727, TT duplicated. VCF-style (leftmost placement, unchanged base first): chr3-193615725-A-ATT. GRCh37 (hg19) VCF-style: chr3-193333514-A-ATT.
Other names: c.32_33dup, p.Val12fs (NM_001354663.2, NM_001354664.2); c.404_405dup, p.Val136fs (NM_015560.3, NM_130831.3, NM_130832.3 and 4 more transcripts); short protein forms V136fs, V12fs.
Identifiers: ClinVar variation 4732748 (VCV004732748.1).